The following is an entry in ClinVar:

ClinVar aggregate classification (germline): Uncertain significance (1 of 4 stars; one submission).

Conditions:
Hereditary cancer-predisposing syndrome. Also called: Neoplastic Syndromes, Hereditary; Tumor predisposition; Hereditary Cancer Syndrome; Hereditary neoplastic syndrome. Identifiers: Orphanet 140162, MedGen C0027672, MeSH D009386, MONDO:0015356.

Submission:

Ambry Genetics
Classification: Uncertain significance for Hereditary cancer-predisposing syndrome. Last evaluated: 2025-11-04. Review status: criteria provided, single submitter. Criteria: Ambry Variant Classification Scheme 2023. Collection method: clinical testing. Allele origin: germline.
Comment: The p.H1213Y variant (also known as c.3637C>T), located in coding exon 22 of the PTCH1 gene, results from a C to T substitution at nucleotide position 3637. The histidine at codon 1213 is replaced by tyrosine, an amino acid with similar properties. This amino acid position is conserved. In addition, the in silico prediction for this alteration is inconclusive. Based on the available evidence, the clinical significance of this variant remains unclear.

NM_000264.5(PTCH1):c.3637C>T (p.His1213Tyr)

Gene: PTCH1 (patched 1; minus strand). Cytogenetic location: 9q22.32.
Variant type: single nucleotide variant.
Coding change: c.3637C>T on transcript NM_000264.5 (MANE Select); coding-DNA position 3637, C replaced by T.
Protein change: p.His1213Tyr; replaces histidine 1213 with tyrosine.
Molecular consequence: missense variant. On other transcripts: non-coding transcript variant (1).
Genome position (GRCh38, 1-based): chr9:95,449,236, G>A on the plus strand (C>T on the coding strand, the complement: PTCH1 is on the minus strand). VCF-style: chr9-95449236-G-A. GRCh37 (hg19) VCF-style: chr9-98211518-G-A.
Other names: c.3439C>T, p.His1147Tyr (NM_001083602.3); c.3634C>T, p.His1212Tyr (NM_001083603.3); c.3184C>T, p.His1062Tyr (NM_001083604.3, NM_001083605.3, NM_001083606.3 and 1 more transcripts); c.3481C>T, p.His1161Tyr (NM_001354918.2); short protein forms H1212Y, H1213Y, H1062Y, H1147Y, H1161Y.
Identifiers: ClinVar variation 4675897 (VCV004675897.1).